The following is an entry in ClinVar:

ClinVar aggregate classification (germline): Uncertain significance. Review status: criteria provided, multiple submitters, no conflicts (2 of 4 stars). 2 submissions from 2 submitters: Uncertain significance (2). Last evaluated 2022-07-26.

Conditions:
MEGF8-related Carpenter syndrome. Also called: Carpenter syndrome 2. Identifiers: Orphanet 65759, MedGen C3554247, MONDO:0013998, OMIM 614976.

Allele frequency attached by ClinVar (database versions not stated): TOPMed 0.00003; ExAC 0.00006; gnomAD exomes 0.00003 and 0.00009; gnomAD 0.00002.
gnomAD v4.1: 42 of 1,613,048 alleles (0.0026%); highest among the groups gnomAD compares: Admixed American, 0.04%; no homozygotes.

Submissions (2):

GeneDx
Classification: Uncertain significance. Last evaluated: 2022-07-26. Review status: criteria provided, single submitter. Criteria: GeneDx Variant Classification Process June 2021. Collection method: clinical testing. Allele origin: germline. Affected: yes.
Comment: In silico analysis supports that this missense variant has a deleterious effect on protein structure/function; Has not been previously published as pathogenic or benign to our knowledge

Labcorp Genetics (formerly Invitae), Labcorp
Classification: Uncertain significance for MEGF8-related Carpenter syndrome. Last evaluated: 2021-12-07. Review status: criteria provided, single submitter. Criteria: Invitae Variant Classification Sherloc (09022015). Collection method: clinical testing. Allele origin: germline.
Comment: This sequence change replaces arginine, which is basic and polar, with tryptophan, which is neutral and slightly polar, at codon 439 of the MEGF8 protein (p.Arg439Trp). This variant is present in population databases (rs769862975, gnomAD 0.06%). This variant has not been reported in the literature in individuals affected with MEGF8-related conditions. ClinVar contains an entry for this variant (Variation ID: 423838). Algorithms developed to predict the effect of missense changes on protein structure and function are either unavailable or do not agree on the potential impact of this missense change (SIFT: "Deleterious"; PolyPhen-2: "Probably Damaging"; Align-GVGD: "Class C0"). In summary, the available evidence is currently insufficient to determine the role of this variant in disease. Therefore, it has been classified as a Variant of Uncertain Significance.

NM_001271938.2(MEGF8):c.1315C>T (p.Arg439Trp)

Gene: MEGF8 (multiple EGF like domains 8; plus strand). Cytogenetic location: 19q13.2.
Variant type: single nucleotide variant.
Coding change: c.1315C>T on transcript NM_001271938.2 (MANE Select); coding-DNA position 1315, C replaced by T.
Protein change: p.Arg439Trp; replaces arginine 439 with tryptophan.
Molecular consequence: missense variant.
Genome position (GRCh38, 1-based): chr19:42,336,877, C>T. VCF-style: chr19-42336877-C-T. GRCh37 (hg19) VCF-style: chr19-42841029-C-T.
Other names: c.1315C>T, p.Arg439Trp (NM_001410.3); short protein forms R439W.
Identifiers: ClinVar variation 423838 (VCV000423838.10), dbSNP rs769862975, ClinGen allele CA9474415.
Genomic context (GRCh38, chr19:42,336,877, plus strand): 5'-CGAGTGAACTCCACTGAGCTTTTCCACGTGGATCGGCATGTGTGGACGACGCTGAAGGGG[C>T]GGGATGGGCTTCAGGGCCCAAGGGAGCGAGCCTTCCACACAGCCAGTGTTCTGGGCAATT-3'
Protein context (NP_001258867.1, residues 429-449): DRHVWTTLKG[Arg439Trp]DGLQGPRERA